The following is an entry in ClinVar:

ClinVar aggregate classification (germline): Benign. Review status: criteria provided, multiple submitters, no conflicts (2 of 4 stars). 4 submissions from 4 submitters: Benign (4). Last evaluated 2021-07-15.

Conditions:
Spermatogenic failure 6 (SPGF6). Also called: ROUND-HEADED SPERMATOZOA; ACROSOME MALFORMATION OF SPERMATOZOA. Identifiers: Orphanet 171709, MedGen C4225503, MONDO:0007060, OMIM 102530.

Allele frequency attached by ClinVar (database versions not stated): gnomAD exomes 0.28699 and 0.30992; ExAC 0.31960; gnomAD 0.38506 and 0.39106; TOPMed 0.40308; ESP Exome Variant Server 0.40412; 1000 Genomes Project 0.42851; 1000 Genomes Project 30x 0.43707.

Submissions (4):

Genome-Nilou Lab
Classification: Benign for Spermatogenic failure 6. Last evaluated: 2021-07-15. Review status: criteria provided, single submitter. Criteria: ACMG Guidelines, 2015. Collection method: clinical testing. Allele origin: germline. Affected: no.

GeneDx
Classification: Benign. Last evaluated: 2021-06-09. Review status: criteria provided, single submitter. Criteria: GeneDx Variant Classification Process June 2021. Collection method: clinical testing. Allele origin: germline. Affected: yes.

Illumina Laboratory Services, Illumina
Classification: Benign for Spermatogenic failure 6. Last evaluated: 2018-01-13. Review status: criteria provided, single submitter. Criteria: ICSL Variant Classification Criteria 13 December 2019. Collection method: clinical testing. Allele origin: germline.
Comment: This variant was observed in the ICSL laboratory as part of a predisposition screen in an ostensibly healthy population. It had not been previously curated by ICSL or reported in the Human Gene Mutation Database (HGMD: prior to June 1st, 2018), and was therefore a candidate for classification through an automated scoring system. Utilizing variant allele frequency, disease prevalence and penetrance estimates, and inheritance mode, an automated score was calculated to assess if this variant is too frequent to cause the disease. Based on the score and internal cut-off values, a variant classified as benign is not then subjected to further curation. The score for this variant resulted in a classification of benign for this disease.

Breakthrough Genomics
Classification: Benign. Review status: criteria provided, single submitter. Criteria: ACMG Guidelines, 2015. Collection method: not provided. Allele origin: germline. Inheritance: Autosomal recessive inheritance. Affected: yes.

NM_031955.6(SPATA16):c.397A>G (p.Met133Val)

Gene: SPATA16 (spermatogenesis associated 16; minus strand). Cytogenetic location: 3q26.31.
Variant type: single nucleotide variant.
Coding change: c.397A>G on transcript NM_031955.6 (MANE Select); coding-DNA position 397, A replaced by G.
Protein change: p.Met133Val; replaces methionine 133 with valine.
Molecular consequence: missense variant.
Genome position (GRCh38, 1-based): chr3:173,117,335, T>C on the plus strand (A>G on the coding strand, the complement: SPATA16 is on the minus strand). VCF-style: chr3-173117335-T-C. GRCh37 (hg19) VCF-style: chr3-172835125-T-C.
Other names: short protein forms M133V.
Identifiers: ClinVar variation 344221 (VCV000344221.9), dbSNP rs1515442, ClinGen allele CA2708362.